The following is an entry in ClinVar:

NM_152703.5(SAMD9L):c.943A>T (p.Ile315Leu)

Gene: SAMD9L (sterile alpha motif domain containing 9 like; minus strand). Cytogenetic location: 7q21.2.
Variant type: single nucleotide variant.
Coding change: c.943A>T on transcript NM_152703.5 (MANE Select); coding-DNA position 943, A replaced by T.
Protein change: p.Ile315Leu; replaces isoleucine 315 with leucine.
Molecular consequence: missense variant.
Genome position (GRCh38, 1-based): chr7:93,135,029, T>A on the plus strand (A>T on the coding strand, the complement: SAMD9L is on the minus strand). VCF-style: chr7-93135029-T-A. GRCh37 (hg19) VCF-style: chr7-92764342-T-A.
Other names: c.943A>T, p.Ile315Leu (NM_001303496.3, NM_001303497.3, NM_001303498.3 and 5 more transcripts); short protein forms I315L.
Identifiers: ClinVar variation 3792273 (VCV003792273.2).

ClinVar aggregate classification (germline): Uncertain significance. Review status: criteria provided, multiple submitters, no conflicts (2 of 4 stars). 2 submissions from 2 submitters: Uncertain significance (2). Last evaluated 2025-07-29.

Conditions:
Inborn genetic diseases. Identifiers: MedGen C0950123, MeSH D030342.

gnomAD v4.1: 3 of 1,611,846 alleles (0.00019%); highest among the groups gnomAD compares: Admixed American, 0.0017%; no homozygotes.

Submissions (2):

Labcorp Genetics (formerly Invitae), Labcorp
Classification: Uncertain significance. Last evaluated: 2025-07-29. Review status: criteria provided, single submitter. Criteria: Invitae Variant Classification Sherloc (09022015). Collection method: clinical testing. Allele origin: germline.
Comment: This sequence change replaces isoleucine, which is neutral and non-polar, with leucine, which is neutral and non-polar, at codon 315 of the SAMD9L protein (p.Ile315Leu). This variant is present in population databases (rs749534461, gnomAD 0.0009%). This variant has not been reported in the literature in individuals affected with SAMD9L-related conditions. ClinVar contains an entry for this variant (Variation ID: 3792273). An algorithm developed to predict the effect of missense changes on protein structure and function (PolyPhen-2) suggests that this variant is likely to be tolerated. In summary, the available evidence is currently insufficient to determine the role of this variant in disease. Therefore, it has been classified as a Variant of Uncertain Significance.

Ambry Genetics
Classification: Uncertain significance for Inborn genetic diseases. Last evaluated: 2025-01-03. Review status: criteria provided, single submitter. Criteria: Ambry Variant Classification Scheme 2023. Collection method: clinical testing. Allele origin: germline.
Comment: The p.I315L variant (also known as c.943A>T), located in coding exon 1 of the SAMD9L gene, results from an A to T substitution at nucleotide position 943. The isoleucine at codon 315 is replaced by leucine, an amino acid with highly similar properties. This amino acid position is conserved. In addition, this alteration is predicted to be tolerated by in silico analysis. Based on the available evidence, the clinical significance of this variant remains unclear.